The following is an entry in ClinVar:

ClinVar aggregate classification (germline): Uncertain significance (1 of 4 stars; one submission).

Submission:

GeneDx
Classification: Uncertain significance. Last evaluated: 2023-02-03. Review status: criteria provided, single submitter. Criteria: GeneDx Variant Classification Process June 2021. Collection method: clinical testing. Allele origin: germline. Affected: yes.
Comment: Not observed at significant frequency in large population cohorts (gnomAD); Nonsense variant predicted to result in protein truncation or nonsense mediated decay in a gene or region of a gene for which loss of function is not a well-established mechanism of disease; Has not been previously published as pathogenic or benign to our knowledge; Located in a region of TTN within the I-band in which the majority of loss of function variants are significantly associated with autosomal dominant titinopathies (Deo et al., 2016; Schafer et al., 2017); This variant is associated with the following publications: (PMID: 27625338, 27869827)

NM_001267550.2(TTN):c.21562G>T (p.Glu7188Ter)

Gene: TTN (titin; minus strand). Cytogenetic location: 2q31.2.
Variant type: single nucleotide variant.
Coding change: c.21562G>T on transcript NM_001267550.2 (MANE Select); coding-DNA position 21562, G replaced by T.
Protein change: p.Glu7188Ter; replaces glutamic acid 7188 with a stop codon.
Molecular consequence: nonsense. On other transcripts: intron variant (3).
Genome position (GRCh38, 1-based): chr2:178,723,538, C>A on the plus strand (G>T on the coding strand, the complement: TTN is on the minus strand). VCF-style: chr2-178723538-C-A. GRCh37 (hg19) VCF-style: chr2-179588265-C-A.
Other names: c.20611G>T, p.Glu6871Ter (NM_001256850.1); c.17830G>T, p.Glu5944Ter (NM_133378.4); c.13282+14544G>T (NM_003319.4); c.13858+14544G>T (NM_133437.4); c.13657+14544G>T (NM_133432.3); short protein forms E5944*, E6871*, E7188*.
Identifiers: ClinVar variation 2575545 (VCV002575545.1), dbSNP rs2529564844, ClinGen allele CA349533803.
Genomic context (GRCh38, chr2:178,723,538, plus strand): 5'-TGTATTCCCCACTCTGAGATATGTCAATATTAAATAATTCCAGTTCTGCCACAGTGTCTT[C>A]AAAATAGATGTTGCACCGGTCTCCTTTCACTAGTTCTCTGGCACCTCTGAACCAGTTGAC-3'